The following is an entry in ClinVar:

NM_001254.4(CDC6):c.941T>C (p.Ile314Thr)

Gene: CDC6 (cell division cycle 6; plus strand). Cytogenetic location: 17q21.2.
Variant type: single nucleotide variant.
Coding change: c.941T>C on transcript NM_001254.4 (MANE Select); coding-DNA position 941, T replaced by C.
Protein change: p.Ile314Thr; replaces isoleucine 314 with threonine.
Molecular consequence: missense variant.
Genome position (GRCh38, 1-based): chr17:40,294,054, T>C. VCF-style: chr17-40294054-T-C. GRCh37 (hg19) VCF-style: chr17-38450306-T-C.
Other names: short protein forms I314T.
Identifiers: ClinVar variation 1919580 (VCV001919580.5), dbSNP rs1435039121, ClinGen allele CA399330387.

ClinVar aggregate classification (germline): Uncertain significance (1 of 4 stars; one submission).

Allele frequency attached by ClinVar (database versions not stated): gnomAD exomes below 0.00001.
gnomAD v4.1: 3 of 1,597,018 alleles (0.00019%); highest among the groups gnomAD compares: African/African-American, 0.0013%; no homozygotes.

Submission:

Labcorp Genetics (formerly Invitae), Labcorp
Classification: Uncertain significance. Last evaluated: 2025-09-08. Review status: criteria provided, single submitter. Criteria: Invitae Variant Classification Sherloc (09022015). Collection method: clinical testing. Allele origin: germline.
Comment: This sequence change replaces isoleucine, which is neutral and non-polar, with threonine, which is neutral and polar, at codon 314 of the CDC6 protein (p.Ile314Thr). This variant is present in population databases (no rsID available, gnomAD 0.007%). This variant has not been reported in the literature in individuals affected with CDC6-related conditions. ClinVar contains an entry for this variant (Variation ID: 1919580). An algorithm developed to predict the effect of missense changes on protein structure and function (PolyPhen-2) suggests that this variant is likely to be disruptive. In summary, the available evidence is currently insufficient to determine the role of this variant in disease. Therefore, it has been classified as a Variant of Uncertain Significance.